The following is an entry in ClinVar:

NM_001267550.2(TTN):c.40973A>G (p.Lys13658Arg)

Gene: TTN (titin; minus strand). Cytogenetic location: 2q31.2.
Variant type: single nucleotide variant.
Coding change: c.40973A>G on transcript NM_001267550.2 (MANE Select); coding-DNA position 40973, A replaced by G.
Protein change: p.Lys13658Arg; replaces lysine 13658 with arginine.
Molecular consequence: missense variant.
Genome position (GRCh38, 1-based): chr2:178,636,754, T>C on the plus strand (A>G on the coding strand, the complement: TTN is on the minus strand). VCF-style: chr2-178636754-T-C. GRCh37 (hg19) VCF-style: chr2-179501481-T-C.
Other names: c.13778A>G, p.Lys4593Arg (NM_003319.4); c.14153A>G, p.Lys4718Arg (NM_133432.3); c.14354A>G, p.Lys4785Arg (NM_133437.4); c.36050A>G, p.Lys12017Arg (NM_001256850.1); c.33269A>G, p.Lys11090Arg (NM_133378.4); short protein forms K11090R, K13658R, K12017R, K4593R, K4718R, K4785R.
Identifiers: ClinVar variation 178220 (VCV000178220.26), dbSNP rs184713215, ClinGen allele CA181823.

ClinVar aggregate classification (germline): Conflicting classifications of pathogenicity. Review status: criteria provided, conflicting classifications (1 of 4 stars). 15 submissions from 11 submitters: Uncertain significance (9); Benign (2); Likely benign (4). Last evaluated 2026-08-01.

Conditions:
Cardiovascular phenotype. Identifiers: MedGen CN230736.
TTN-related disorder. Also called: TTN-related disorders; TTN-related condition; TTN-related disease.
Autosomal recessive limb-girdle muscular dystrophy type 2J (LGMDR10). Also called: Limb-girdle muscular dystrophy, type 2J; MUSCULAR DYSTROPHY, LIMB-GIRDLE, AUTOSOMAL RECESSIVE 10. Identifiers: Orphanet 140922, MedGen C1837342, MONDO:0012127, OMIM 608807.
Dilated cardiomyopathy 1G (CMD1G). Identifiers: Orphanet 154, MedGen C1858763, MONDO:0011400, OMIM 604145.
Cardiomyopathy (CMYO). Also called: Cardiomyopathies. Identifiers: Orphanet 167848, MedGen C0878544, MONDO:0004994, HP:0001638. Inheritance: Various modes of inheritance.
Early-onset myopathy with fatal cardiomyopathy (CMYO5). Also called: Salih Myopathy; CONGENITAL MYOPATHY 5 WITH CARDIOMYOPATHY. Identifiers: Orphanet 289377, MedGen C2673677, MONDO:0012714, OMIM 611705. Disease mechanism: loss of function.
Tibial muscular dystrophy (TMD). Also called: Udd Distal Myopathy – Tibial Muscular Dystrophy; UDD MYOPATHY; Tibial muscular dystrophy, tardive. Identifiers: Orphanet 609, MedGen C1838244, MONDO:0010870, OMIM 600334.
Myopathy, myofibrillar, 9, with early respiratory failure (MFM9). Also called: Myopathy, distal, with early respiratory failure, autosomal dominant; EDSTROM MYOPATHY; MYOPATHY, PROXIMAL, WITH EARLY RESPIRATORY MUSCLE INVOLVEMENT; Hereditary myopathy with early respiratory failure. Identifiers: Orphanet 178464, Orphanet 34521, MedGen C1863599, MONDO:0011362, OMIM 603689.

Allele frequency attached by ClinVar (database versions not stated): ESP Exome Variant Server 0.00017; TOPMed 0.00019; 1000 Genomes Project 0.00020; gnomAD 0.00012 and 0.00016; gnomAD exomes 0.00014 and 0.00016; ExAC 0.00015; 1000 Genomes Project 30x 0.00016.

Submissions (15):

CeGaT Center for Human Genetics Tuebingen
Classification: Likely benign. Last evaluated: 2026-08-01. Review status: criteria provided, single submitter. Criteria: CeGaT Center For Human Genetics Tuebingen Variant Classification Criteria Version 2. Collection method: clinical testing. Allele origin: germline. Affected: yes. Observed: 3 variant alleles.
Comment: TTN: BP1

PreventionGenetics, part of Exact Sciences
Classification: Uncertain significance for TTN-related condition. Last evaluated: 2026-03-26. Review status: criteria provided, single submitter. Criteria: ACMG Guidelines, 2015. Collection method: clinical testing. Allele origin: germline.
Comment: The TTN c.40973A>G variant is predicted to result in the amino acid substitution p.Lys13658Arg. To our knowledge, this variant has not been reported in the literature. This variant is reported in 0.030% of alleles in individuals of South Asian descent in gnomAD. Although we suspect that this variant may be benign, at this time, the clinical significance of this variant is uncertain due to the absence of conclusive functional and genetic evidence.

Blueprint Genetics
Classification: Likely benign. Last evaluated: 2024-11-19. Review status: criteria provided, single submitter. Criteria: ACMG Guidelines, 2015. Collection method: clinical testing. Allele origin: germline.

Women's Health and Genetics/Laboratory Corporation of America, LabCorp
Classification: Likely benign. Last evaluated: 2024-07-30. Review status: criteria provided, single submitter. Criteria: LabCorp Variant Classification Summary - May 2015. Collection method: clinical testing. Allele origin: germline.
Comment: Variant summary: TTN c.33269A>G (p.Lys11090Arg) results in a conservative amino acid change located in the I-band region of the encoded protein sequence. Five of five in-silico tools predict a benign effect of the variant on protein function. The variant allele was found at a frequency of 0.00014 in 1602136 control chromosomes in the gnomAD database (v4.1 dataset). In addition, within the South Asian subpopulation (allele frequency: 0.00037) the variant was fond in 1 homozygote. Furthermore, in certain ethnicities, e.g. in the Middle Eastern, the variant was reported with an even higher frequency (i.e. 0.0025), and which is about 6-times higher than the estimated maximum expected for a pathogenic variant in TTN causing Dilated Cardiomyopathy (0.00039), suggesting that the variant might be benign. The variant, c.33269A>G, has been reported in the literature in one individual affected with hypertrophic cardiomyopathy (Lopes_2013). These report(s) do not provide unequivocal conclusions about association of the variant with Dilated Cardiomyopathy. To our knowledge, no experimental evidence demonstrating an impact on protein function has been reported. The following publication have been ascertained in the context of this evaluation (PMID: 23396983). ClinVar contains an entry for this variant (Variation ID: 178220). Based on the evidence outlined above, the variant was classified as likely benign.

Revvity Omics, Revvity
Classification: Uncertain significance. Last evaluated: 2023-12-16. Review status: criteria provided, single submitter. Criteria: ACMG Guidelines, 2015. Collection method: clinical testing. Allele origin: germline.

GeneDx
Classification: Likely benign. Last evaluated: 2020-02-06. Review status: criteria provided, single submitter. Criteria: GeneDx Variant Classification Process June 2021. Collection method: clinical testing. Allele origin: germline. Affected: yes.
Comment: This variant is associated with the following publications: (PMID: 23396983)

CHEO Genetics Diagnostic Laboratory, Children's Hospital of Eastern Ontario
Classification: Uncertain significance for Cardiomyopathy. Last evaluated: 2019-07-08. Review status: criteria provided, single submitter. Criteria: ACMG Guidelines, 2015. Collection method: clinical testing. Allele origin: germline.

Labcorp Genetics (formerly Invitae), Labcorp
Classification: Uncertain significance for Dilated cardiomyopathy 1G; Autosomal recessive limb-girdle muscular dystrophy type 2J. Last evaluated: 2017-12-21. Review status: criteria provided, single submitter. Criteria: Invitae Variant Classification Sherloc (09022015). Collection method: clinical testing. Allele origin: germline.

Illumina Laboratory Services, Illumina
Classification: Uncertain significance for Autosomal recessive limb-girdle muscular dystrophy type 2J. Last evaluated: 2017-04-27. Review status: criteria provided, single submitter. Criteria: ICSL Variant Classification Criteria 13 December 2019. Collection method: clinical testing. Allele origin: germline.

Illumina Laboratory Services, Illumina
Classification: Uncertain significance for Dilated cardiomyopathy 1G. Last evaluated: 2017-04-27. Review status: criteria provided, single submitter. Criteria: ICSL Variant Classification Criteria 13 December 2019. Collection method: clinical testing. Allele origin: germline.

Illumina Laboratory Services, Illumina
Classification: Uncertain significance for Early-onset myopathy with fatal cardiomyopathy. Last evaluated: 2017-04-27. Review status: criteria provided, single submitter. Criteria: ICSL Variant Classification Criteria 13 December 2019. Collection method: clinical testing. Allele origin: germline.

Illumina Laboratory Services, Illumina
Classification: Benign for Tibial muscular dystrophy. Last evaluated: 2017-04-27. Review status: criteria provided, single submitter. Criteria: ICSL Variant Classification Criteria 13 December 2019. Collection method: clinical testing. Allele origin: germline.
Comment: This variant was observed as part of a predisposition screen in an ostensibly healthy population. A literature search was performed for the gene, cDNA change, and amino acid change (where applicable). No publications were found based on this search. Allele frequency data from public databases was too high to be consistent with this variant causing disease. Therefore, this variant is classified as benign.

Illumina Laboratory Services, Illumina
Classification: Benign for Myopathy, myofibrillar, 9, with early respiratory failure. Last evaluated: 2017-04-27. Review status: criteria provided, single submitter. Criteria: ICSL Variant Classification Criteria 13 December 2019. Collection method: clinical testing. Allele origin: germline.
Comment: the same text as in the submission from Illumina Laboratory Services, Illumina above.

Laboratory for Molecular Medicine, Mass General Brigham Personalized Medicine
Classification: Uncertain significance. Last evaluated: 2013-07-17. Review status: criteria provided, single submitter. Criteria: LMM Criteria. Collection method: clinical testing. Allele origin: germline. Observed: 1 variant allele.
Comment: The Lys11090Arg variant in TTN has not been reported in individuals with cardiom yopathy, but has been identified in 2/8212 European American chromosomes by the NHLBI Exome Sequencing Project (dbSNP rs18471 321). Computational analyses (biochemical amino acid properties, conservation, A lignGVGD, PolyPhen2, and SIFT) do not provide strong support for or against an i mpact to the protein. Additional information is needed to fully assess the clini cal significance of this variant.

Ambry Genetics
Classification: Uncertain significance for Cardiovascular phenotype. Last evaluated: 2013-03-18. Review status: criteria provided, single submitter. Criteria: Ambry Autosomal Dominant and X-Linked criteria (10/2015). Collection method: clinical testing. Allele origin: germline. Observed: 1 variant allele.
Comment: There is insufficient or conflicting evidence for classification of this alteration.

Literature cited by the submitters: PubMed 23396983 (cited by Women's Health and Genetics/Laboratory Corporation of America, LabCorp).